The following is an entry in ClinVar:

NM_001379500.1(COL18A1):c.2958_2966dup (p.985GPP[5])

Genes: COL18A1 (collagen type XVIII alpha 1 chain; plus strand), SLC19A1 (solute carrier family 19 member 1; minus strand). Cytogenetic location: 21q22.3.
Variant type: Duplication.
Coding change: c.2958_2966dup on transcript NM_001379500.1 (MANE Select); coding-DNA positions 2958 to 2966, 9 bases duplicated (TCCCGGCCC; older notation c.2958_2966dupTCCCGGCCC).
Protein change: p.985GPP[5].
Molecular consequence: inframe insertion.
Genome position (GRCh38, 1-based): chr21:45,505,223-45,505,231, TCCCGGCCC duplicated; duplicating any 9 consecutive bases within chr21:45,505,218-45,505,231 gives the same sequence; the c. name uses the placement nearest the transcript's 3' end. VCF-style (leftmost placement, unchanged base first): chr21-45505217-G-GGGCCCTCCC. GRCh37 (hg19) VCF-style: chr21-46925131-G-GGGCCCTCCC.
Other names: c.3489_3497dup, p.1162GPP[5] (NM_030582.4); c.4194_4202dup, p.1397GPP[5] (NM_130444.3).
Identifiers: ClinVar variation 1380459 (VCV001380459.3), dbSNP rs760640619, ClinGen allele CA10067571.

ClinVar aggregate classification (germline): Uncertain significance (1 of 4 stars; one submission).

Submission:

Labcorp Genetics (formerly Invitae), Labcorp
Classification: Uncertain significance. Last evaluated: 2022-08-08. Review status: criteria provided, single submitter. Criteria: Invitae Variant Classification Sherloc (09022015). Collection method: clinical testing. Allele origin: germline.
Comment: This variant, c.2949_2957dup, results in the insertion of 3 amino acid(s) of the COL18A1 protein (p.Gly991_Pro993dup), but otherwise preserves the integrity of the reading frame. This variant is present in population databases (rs770970483, gnomAD 0.007%). This variant has not been reported in the literature in individuals affected with COL18A1-related conditions. ClinVar contains an entry for this variant (Variation ID: 1380459). Experimental studies and prediction algorithms are not available or were not evaluated, and the functional significance of this variant is currently unknown. In summary, the available evidence is currently insufficient to determine the role of this variant in disease. Therefore, it has been classified as a Variant of Uncertain Significance.